The following is an entry in ClinVar:

NM_024642.5(GALNT12):c.568G>C (p.Glu190Gln)

Gene: GALNT12 (polypeptide N-acetylgalactosaminyltransferase 12; plus strand). Cytogenetic location: 9q22.33.
Variant type: single nucleotide variant.
Coding change: c.568G>C on transcript NM_024642.5 (MANE Select); coding-DNA position 568, G replaced by C.
Protein change: p.Glu190Gln; replaces glutamic acid 190 with glutamine.
Molecular consequence: missense variant.
Genome position (GRCh38, 1-based): chr9:98,826,778, G>C. VCF-style: chr9-98826778-G-C. GRCh37 (hg19) VCF-style: chr9-101589060-G-C.
Other names: short protein forms E190Q.
Identifiers: ClinVar variation 3852665 (VCV003852665.1).

ClinVar aggregate classification (germline): Uncertain significance (1 of 4 stars; one submission).

Submission:

Ambry Genetics
Classification: Uncertain significance. Last evaluated: 2025-01-06. Review status: criteria provided, single submitter. Criteria: Ambry Variant Classification Scheme 2023. Collection method: clinical testing. Allele origin: germline.
Comment: The p.E190Q variant (also known as c.568G>C), located in coding exon 3 of the GALNT12 gene, results from a G to C substitution at nucleotide position 568. The glutamic acid at codon 190 is replaced by glutamine, an amino acid with highly similar properties. This amino acid position is conserved. In addition, this alteration is predicted to be tolerated by in silico analysis. Based on the available evidence, the clinical significance of this variant remains unclear.